The following is an entry in ClinVar:

NM_001376.5(DYNC1H1):c.9401C>T (p.Pro3134Leu)

Genes: DYNC1H1 (dynein cytoplasmic 1 heavy chain 1; plus strand), LOC126862060 (BRD4-independent group 4 enhancer GRCh37_chr14:102493659-102494858; plus strand). Cytogenetic location: 14q32.31.
Variant type: single nucleotide variant.
Coding change: c.9401C>T on transcript NM_001376.5 (MANE Select); coding-DNA position 9401, C replaced by T.
Protein change: p.Pro3134Leu; replaces proline 3134 with leucine.
Molecular consequence: missense variant.
Genome position (GRCh38, 1-based): chr14:102,028,074, C>T. VCF-style: chr14-102028074-C-T. GRCh37 (hg19) VCF-style: chr14-102494411-C-T.
Other names: short protein forms P3134L.
Identifiers: ClinVar variation 472565 (VCV000472565.8), dbSNP rs905098104, ClinGen allele CA266962926.

ClinVar aggregate classification (germline): Uncertain significance. Review status: criteria provided, multiple submitters, no conflicts (2 of 4 stars). 2 submissions from 2 submitters: Uncertain significance (2). Last evaluated 2026-08-20.

Conditions:
DYNC1H1-related disorder. Also called: DYNC1H1-related condition; DYNC1H1-related disorders. Identifiers: MedGen CN381529.
Charcot-Marie-Tooth disease axonal type 2O. Also called: Charcot-Marie-Tooth disease, axonal, type 20; CHARCOT-MARIE-TOOTH NEUROPATHY, AXONAL, TYPE 2O; CHARCOT-MARIE-TOOTH DISEASE, AXONAL, AUTOSOMAL DOMINANT, TYPE 2O; Charcot-Marie-Tooth Neuropathy Type 2O. Identifiers: Orphanet 284232, MedGen C3280220, MONDO:0013644, OMIM 614228.

Allele frequency attached by ClinVar (database versions not stated): gnomAD exomes below 0.00001; TOPMed below 0.00001.
gnomAD v4.1: 5 of 1,614,152 alleles (0.00031%); highest among the groups gnomAD compares: African/African-American, 0.0013%; no homozygotes.

Submissions (2):

PreventionGenetics, part of Exact Sciences
Classification: Uncertain significance for DYNC1H1-related condition. Last evaluated: 2026-08-20. Review status: criteria provided, single submitter. Criteria: ACMG Guidelines, 2015. Collection method: clinical testing. Allele origin: germline.
Comment: The DYNC1H1 c.9401C>T variant is predicted to result in the amino acid substitution p.Pro3134Leu. To our knowledge, this variant has not been reported in the literature or in a large population database (gnomAD), indicating this variant is rare. At this time, the clinical significance of this variant is uncertain due to the absence of conclusive functional and genetic evidence.

Labcorp Genetics (formerly Invitae), Labcorp
Classification: Uncertain significance for Charcot-Marie-Tooth disease axonal type 2O. Last evaluated: 2024-06-24. Review status: criteria provided, single submitter. Criteria: Invitae Variant Classification Sherloc (09022015). Collection method: clinical testing. Allele origin: germline.
Comment: This sequence change replaces proline, which is neutral and non-polar, with leucine, which is neutral and non-polar, at codon 3134 of the DYNC1H1 protein (p.Pro3134Leu). This variant is not present in population databases (gnomAD no frequency). This variant has not been reported in the literature in individuals affected with DYNC1H1-related conditions. ClinVar contains an entry for this variant (Variation ID: 472565). Advanced modeling of protein sequence and biophysical properties (such as structural, functional, and spatial information, amino acid conservation, physicochemical variation, residue mobility, and thermodynamic stability) performed at Invitae indicates that this missense variant is not expected to disrupt DYNC1H1 protein function with a negative predictive value of 95%. In summary, the available evidence is currently insufficient to determine the role of this variant in disease. Therefore, it has been classified as a Variant of Uncertain Significance.